The following is an entry in ClinVar:

ClinVar aggregate classification (germline): Uncertain significance. Review status: criteria provided, multiple submitters, no conflicts (2 of 4 stars). 2 submissions from 2 submitters: Uncertain significance (2). Last evaluated 2021-07-14.

Allele frequency attached by ClinVar (database versions not stated): gnomAD exomes below 0.00001.
gnomAD v4.1: 1 of 1,612,490 alleles (0.000062%); highest among the groups gnomAD compares: South Asian, 0.0011%; no homozygotes.

Submissions (2):

Blueprint Genetics
Classification: Uncertain significance. Last evaluated: 2021-07-14. Review status: criteria provided, single submitter. Criteria: ACMG Guidelines, 2015. Collection method: clinical testing. Allele origin: germline.

Laboratory for Molecular Medicine, Mass General Brigham Personalized Medicine
Classification: Uncertain significance. Last evaluated: 2017-04-19. Review status: criteria provided, single submitter. Criteria: LMM Criteria. Collection method: clinical testing. Allele origin: germline. Observed: 3 variant alleles.
Comment: Comput ational prediction tools and conservation analyses suggest that this variant may not impact the protein, though this information is not predictive enough to rul e out pathogenicity. In summary, the clinical significance of the p.Leu549Val va riant is uncertain.

NM_006005.3(WFS1):c.1645C>G (p.Leu549Val)

Gene: WFS1 (wolframin ER transmembrane glycoprotein; plus strand). Cytogenetic location: 4p16.1.
Variant type: single nucleotide variant.
Coding change: c.1645C>G on transcript NM_006005.3 (MANE Select); coding-DNA position 1645, C replaced by G.
Protein change: p.Leu549Val; replaces leucine 549 with valine.
Molecular consequence: missense variant.
Genome position (GRCh38, 1-based): chr4:6,301,440, C>G. VCF-style: chr4-6301440-C-G. GRCh37 (hg19) VCF-style: chr4-6303167-C-G.
Other names: c.1645C>G, p.Leu549Val (NM_001145853.1); short protein forms L549V.
Identifiers: ClinVar variation 179874 (VCV000179874.6), dbSNP rs1801211, ClinGen allele CA185322.